The following is an entry in ClinVar:

NM_012203.2(GRHPR):c.496C>T (p.Gln166Ter)

Gene: GRHPR (glyoxylate and hydroxypyruvate reductase; plus strand). Cytogenetic location: 9p13.2.
Variant type: single nucleotide variant.
Coding change: c.496C>T on transcript NM_012203.2 (MANE Select); coding-DNA position 496, C replaced by T.
Protein change: p.Gln166Ter; replaces glutamine 166 with a stop codon.
Molecular consequence: nonsense.
Genome position (GRCh38, 1-based): chr9:37,429,734, C>T. VCF-style: chr9-37429734-C-T. GRCh37 (hg19) VCF-style: chr9-37429731-C-T.
Other names: short protein forms Q166*.
Identifiers: ClinVar variation 1726382 (VCV001726382.5), dbSNP rs2489242940, ClinGen allele CA373442956.

ClinVar aggregate classification (germline): Pathogenic/Likely pathogenic. Review status: criteria provided, multiple submitters, no conflicts (2 of 4 stars). 2 submissions from 2 submitters: Pathogenic (1); Likely pathogenic (1). Last evaluated 2023-11-17.

Conditions:
Primary hyperoxaluria, type II (HP2). Also called: OXALOSIS II; Primary hyperoxaluria type 2; D-GLYCERATE DEHYDROGENASE DEFICIENCY; GLYCERIC ACIDURIA; GLYOXYLATE REDUCTASE/HYDROXYPYRUVATE REDUCTASE DEFICIENCY. Identifiers: Orphanet 416, Orphanet 93599, MedGen C0268165, MONDO:0009824, OMIM 260000. Disease mechanism: loss of function.

Submissions (2):

Labcorp Genetics (formerly Invitae), Labcorp
Classification: Pathogenic. Last evaluated: 2023-11-17. Review status: criteria provided, single submitter. Criteria: Invitae Variant Classification Sherloc (09022015). Collection method: clinical testing. Allele origin: germline.
Comment: This sequence change creates a premature translational stop signal (p.Gln166*) in the GRHPR gene. It is expected to result in an absent or disrupted protein product. Loss-of-function variants in GRHPR are known to be pathogenic (PMID: 25644115). This variant is not present in population databases (gnomAD no frequency). This variant has not been reported in the literature in individuals affected with GRHPR-related conditions. ClinVar contains an entry for this variant (Variation ID: 1726382). For these reasons, this variant has been classified as Pathogenic.

Myriad Genetics, Inc.
Classification: Likely pathogenic for Primary hyperoxaluria, type II. Last evaluated: 2021-12-16. Review status: criteria provided, single submitter. Criteria: Myriad Women's Health Autosomal Recessive and X-Linked Classification Criteria (2021). Collection method: clinical testing. Allele origin: unknown.
Comment: NM_012203.1(GRHPR):c.496C>T(Q166*) is expected to be pathogenic in the context of primary hyperoxaluria type 2. This variant is predicted to lead to an abnormal or absent protein product due to the creation of a premature termination codon in GRHPR, a gene where loss-of-function variants are known to be pathogenic. Please note: this variant was assessed in the context of healthy population screening.

Literature cited by the submitters: PubMed 25644115 (cited by Labcorp Genetics (formerly Invitae), Labcorp).